The following is an entry in ClinVar:

NM_000057.4(BLM):c.2698G>C (p.Glu900Gln)

Gene: BLM (BLM RecQ like helicase; plus strand). Cytogenetic location: 15q26.1.
Variant type: single nucleotide variant.
Coding change: c.2698G>C on transcript NM_000057.4 (MANE Select); coding-DNA position 2698, G replaced by C.
Protein change: p.Glu900Gln; replaces glutamic acid 900 with glutamine.
Molecular consequence: missense variant.
Genome position (GRCh38, 1-based): chr15:90,784,956, G>C. VCF-style: chr15-90784956-G-C. GRCh37 (hg19) VCF-style: chr15-91328186-G-C.
Other names: c.2698G>C, p.Glu900Gln (NM_001287246.2, NM_001287247.2); c.1573G>C, p.Glu525Gln (NM_001287248.2); short protein forms E525Q, E900Q.
Identifiers: ClinVar variation 4867511 (VCV004867511.1).

ClinVar aggregate classification (germline): Uncertain significance (1 of 4 stars; one submission).

Conditions:
Hereditary cancer-predisposing syndrome. Also called: Neoplastic Syndromes, Hereditary; Tumor predisposition; Hereditary Cancer Syndrome; Hereditary neoplastic syndrome. Identifiers: Orphanet 140162, MedGen C0027672, MeSH D009386, MONDO:0015356.

Submission:

Ambry Genetics
Classification: Uncertain significance for Hereditary cancer-predisposing syndrome. Last evaluated: 2026-05-21. Review status: criteria provided, single submitter. Criteria: Ambry Variant Classification Scheme 2023. Collection method: clinical testing. Allele origin: germline.
Comment: The p.E900Q variant (also known as c.2698G>C), located in coding exon 13 of the BLM gene, results from a G to C substitution at nucleotide position 2698. The glutamic acid at codon 900 is replaced by glutamine, an amino acid with highly similar properties. This amino acid position is conserved. In addition, the in silico prediction for this alteration is inconclusive. Based on the available evidence, the clinical significance of this variant remains unclear.